The following is an entry in ClinVar:

ClinVar aggregate classification (germline): Pathogenic (1 of 4 stars; one submission).

Conditions:
Bone marrow failure syndrome 3 (BMFS3). Identifiers: MedGen C4310744, MONDO:0014887, OMIM 617052.

Submission:

Sfax Medical Genetics Laboratory, Laboratoire Ksentini
Classification: Pathogenic for Bone marrow failure syndrome 3. Last evaluated: 2025-10-13. Review status: criteria provided, single submitter. Criteria: ACMG Guidelines, 2015. Collection method: clinical testing. Allele origin: germline. Inheritance: Autosomal recessive inheritance. Affected: yes. Observed: 1 homozygote.
Comment: The DNAJC21:c.411del variant corresponds to the deletion of a single nucleotide at position 411 in the DNAJC21 gene. This variant is absent from the gnomAD v4.1.0 database (PM2). It causes a frameshift resulting in a premature stop codon (p.Phe137LeufsTer11), NMD is predicted (PVS1). In summary, the DNAJC21:c.411del, p.(F137Lfs*11) variant meets our criteria to be classified as pathogenic (PM2, PVS1, PP4).

NM_001012339.3(DNAJC21):c.411del (p.Phe137fs)

Gene: DNAJC21 (DnaJ heat shock protein family (Hsp40) member C21; plus strand). Cytogenetic location: 5p13.2.
Variant type: Deletion.
Coding change: c.411del on transcript NM_001012339.3 (MANE Select); coding-DNA position 411, one base deleted (T; older notation c.411delT).
Protein change: p.Phe137fs; shifts the reading frame from phenylalanine 137.
Molecular consequence: frameshift variant.
Genome position (GRCh38, 1-based): chr5:34,936,239, T deleted; the last of 4 consecutive T bases (chr5:34,936,236-34,936,239); deleting any one gives the same sequence. VCF-style (leftmost placement, unchanged base first): chr5-34936235-CT-C. GRCh37 (hg19) VCF-style: chr5-34936340-CT-C.
Other names: c.411del, p.Phe137fs (NM_001348420.2, NM_194283.4); short protein forms F137fs.
Identifiers: ClinVar variation 4280725 (VCV004280725.1).